The following is an entry in ClinVar:

ClinVar aggregate classification (germline): Uncertain significance (1 of 4 stars; one submission).

Conditions:
Myopathy, tubular aggregate, 2 (TAM2). Identifiers: MedGen C4014557, MONDO:0014383, OMIM 615883.
Combined immunodeficiency due to ORAI1 deficiency. Also called: IMMUNODEFICIENCY 9. Identifiers: Orphanet 169090, Orphanet 317428, MedGen C2748568, MONDO:0013007, OMIM 612782.

Submission:

Labcorp Genetics (formerly Invitae), Labcorp
Classification: Uncertain significance for Myopathy, tubular aggregate, 2; Combined immunodeficiency due to ORAI1 deficiency. Last evaluated: 2024-02-10. Review status: criteria provided, single submitter. Criteria: Invitae Variant Classification Sherloc (09022015). Collection method: clinical testing. Allele origin: germline.
Comment: This sequence change creates a premature translational stop signal (p.Gln58*) in the ORAI1 gene. However, it is currently unclear if variants that occur in this region of the gene cause disease. This variant is not present in population databases (gnomAD no frequency). This variant has not been reported in the literature in individuals affected with ORAI1-related conditions. In summary, the available evidence is currently insufficient to determine the role of this variant in disease. Therefore, it has been classified as a Variant of Uncertain Significance.

NC_000012.12:g.121626919C>T

Genes: ORAI1 (ORAI calcium release-activated calcium modulator 1; plus strand), LOC130008987 (ATAC-STARR-seq lymphoblastoid silent region 4981; plus strand). Cytogenetic location: 12q24.31.
Variant type: single nucleotide variant.
Molecular consequence: non-coding transcript variant (on NR_186857.1).
Genome position: GRCh38 VCF-style: chr12-121626919-C-T. GRCh37 (hg19) VCF-style: chr12-122064825-C-T.
Identifiers: ClinVar variation 3761933 (VCV003761933.2).